The following is an entry in ClinVar:

NM_000414.4(HSD17B4):c.760G>A (p.Gly254Arg)

Gene: HSD17B4 (hydroxysteroid 17-beta dehydrogenase 4; plus strand). Cytogenetic location: 5q23.1.
Variant type: single nucleotide variant.
Coding change: c.760G>A on transcript NM_000414.4 (MANE Select); coding-DNA position 760, G replaced by A.
Protein change: p.Gly254Arg; replaces glycine 254 with arginine.
Molecular consequence: missense variant. On other transcripts: non-coding transcript variant (2).
Genome position (GRCh38, 1-based): chr5:119,493,838, G>A. VCF-style: chr5-119493838-G-A. GRCh37 (hg19) VCF-style: chr5-118829533-G-A.
Other names: c.835G>A, p.Gly279Arg (NM_001199291.3); c.706G>A, p.Gly236Arg (NM_001199292.2); c.688G>A, p.Gly230Arg (NM_001292027.2); c.340G>A, p.Gly114Arg (NM_001292028.2); c.751G>A, p.Gly251Arg (NM_001374497.1); c.760G>A, p.Gly254Arg (NM_001374498.1); c.433G>A, p.Gly145Arg (NM_001374499.1); c.319G>A, p.Gly107Arg (NM_001374500.1); and 1 more; short protein forms G107R, G114R, G117R, G145R, G230R, G236R, G251R, G254R.
Identifiers: ClinVar variation 3254998 (VCV003254998.4), dbSNP rs2531703971.

ClinVar aggregate classification (germline): Pathogenic (1 of 4 stars; one submission).

Conditions:
Bifunctional peroxisomal enzyme deficiency (DBIF). Also called: DBP DEFICIENCY; PBFE DEFICIENCY; D-bifunctional protein deficiency. Identifiers: Orphanet 300, MedGen C0342870, MONDO:0009855, OMIM 261515. Disease mechanism: loss of function.

Allele frequency attached by ClinVar (database versions not stated): gnomAD exomes below 0.00001.
gnomAD v4.1: 1 of 1,612,954 alleles (0.000062%); highest among the groups gnomAD compares: South Asian, 0.0011%; no homozygotes.

Submission:

Victorian Clinical Genetics Services, Murdoch Childrens Research Institute
Classification: Pathogenic for Bifunctional peroxisomal enzyme deficiency. Last evaluated: 2025-09-03. Review status: criteria provided, single submitter. Criteria: ACMG Guidelines, 2015. Collection method: clinical testing. Allele origin: germline.
Comment: This variant is classified as Pathogenic. Evidence in support of pathogenic classification: Variant is present in gnomAD <0.01 for a recessive condition (v4: 1 heterozygote, 0 homozygotes); This variant has limited previous evidence of pathogenicity in an unrelated individual. This variant has been reported as likely pathogenic in an individual with biochemically confirmed D-bifunctional protein deficiency (VCGS cohort); Missense variant consistently predicted to be damaging by multiple in silico tools or highly conserved with a major amino acid change. Additional information: Variant is predicted to result in a missense amino acid change from glycine to arginine; This variant is heterozygous; This gene is associated with autosomal recessive disease; No published segregation evidence has been identified for this variant; Clinically accredited laboratory assay specific to gene product shows abnormal protein function. Another missense variant comparable to the one identified in this case has inconclusive previous evidence for pathogenicity. p.(Gly254Glu) has been classified as a VUS by a clinical laboratory in ClinVar; Variant is located in the annotated hydroxyacyl-CoA dehydrogenase-like, classical-like SDR domain and is part of the homodimer interface (NCBI); Loss of function is a known mechanism of disease in this gene and is associated with D-bifunctional protein deficiency (MIM#261515) and Perrault syndrome 1 (MIM#233400).